The following is an entry in ClinVar:

ClinVar aggregate classification (germline): Likely benign (1 of 4 stars; one submission).

Conditions:
GPR156-related disorder. Also called: GPR156-related condition.

Submission:

PreventionGenetics, part of Exact Sciences
Classification: Likely benign for GPR156-related condition. Last evaluated: 2026-06-15. Review status: criteria provided, single submitter. Criteria: ACMG Guidelines, 2015. Collection method: clinical testing. Allele origin: germline.
Comment: This variant is classified as likely benign based on ACMG/AMP sequence variant interpretation guidelines (Richards et al. 2015 PMID: 25741868, with internal and published modifications).

NM_153002.3(GPR156):c.2269C>T (p.Arg757Cys)

Gene: GPR156 (G protein-coupled receptor 156; minus strand). Cytogenetic location: 3q13.33.
Variant type: single nucleotide variant.
Coding change: c.2269C>T on transcript NM_153002.3 (MANE Select); coding-DNA position 2269, C replaced by T.
Protein change: p.Arg757Cys; replaces arginine 757 with cysteine.
Molecular consequence: missense variant.
Genome position (GRCh38, 1-based): chr3:120,167,208, G>A on the plus strand (C>T on the coding strand, the complement: GPR156 is on the minus strand). VCF-style: chr3-120167208-G-A. GRCh37 (hg19) VCF-style: chr3-119886055-G-A.
Other names: c.2257C>T, p.Arg753Cys (NM_001168271.2); short protein forms R757C, R753C.
Identifiers: ClinVar variation 4980374 (VCV004980374.1).
Genomic context (GRCh38, chr3:120,167,208, plus strand): 5'-CACTGTCACTAGAGTCAGAAGAGCTCTGGAAGCAGATTTCACAGTAGGGCCGGTGGCAGC[G>A]GCAGAAGAACTCATCTGAGCTGCTGGACTCAGTATCAAAATAGCTGTGTTGAGAAGACAG-3'
Protein context (NP_694547.2, residues 747-767): ESSSSDEFFC[Arg757Cys]CHRPYCEICF